The following is an entry in ClinVar:

NM_033380.3(COL4A5):c.1340-2A>G

Gene: COL4A5 (collagen type IV alpha 5 chain; plus strand). Cytogenetic location: Xq22.3.
Variant type: single nucleotide variant.
Coding change: c.1340-2A>G on transcript NM_033380.3 (MANE Select); the canonical splice acceptor site of the intron before coding-DNA position 1340, A replaced by G.
Molecular consequence: splice acceptor variant.
Genome position (GRCh38, 1-based): chrX:108,591,559, A>G. VCF-style: chrX-108591559-A-G. GRCh37 (hg19) VCF-style: chrX-107834789-A-G.
Other names: c.1340-2A>G (NM_000495.5).
Identifiers: ClinVar variation 2444109 (VCV002444109.1), dbSNP rs104886319, ClinGen allele CA258462.
Genomic context (GRCh38, chrX:108,591,559, plus strand): 5'-CTTTTGTTTAATCTTCTGGATATTTCACAATTAGCTTGCTATCCTTTCTTTATCTTACTC[A>G]GGTGATGAGATATGTGAACCAGGCCCTCCAGGCCCCCCAGGATCTCCAGGTGATAAAGGA-3'

ClinVar aggregate classification (germline): Pathogenic (1 of 4 stars; one submission).

Conditions:
X-linked Alport syndrome (ATS1). Also called: NEPHROPATHY AND DEAFNESS, X-LINKED; COL4A5-Related Nephropathy. Identifiers: Orphanet 63, Orphanet 88917, MedGen C4746986, MONDO:0010520, OMIM 301050.

Submission:

3billion
Classification: Pathogenic for X-linked Alport syndrome. Last evaluated: 2023-02-23. Review status: criteria provided, single submitter. Criteria: ACMG Guidelines, 2015. Collection method: clinical testing. Allele origin: unknown. Affected: yes.
Comment: The variant is not observed in the gnomAD v2.1.1 dataset. This variant was predicted to alter splicing and result in a loss or disruption of normal protein function. Multiple pathogenic loss-of-function variants are reported downstream of the variant. The variant has been reported to be associated with COL4A5 related disorder (PMID: 9195222). Therefore, this variant is classified as Pathogenic according to the recommendation of ACMG/AMP guideline.

Literature cited by the submitters: PubMed 9195222.